The following is an entry in ClinVar:

ClinVar aggregate classification (germline): Uncertain significance (1 of 4 stars; one submission).

Allele frequency attached by ClinVar (database versions not stated): ExAC 0.00002; gnomAD 0.00002; gnomAD exomes 0.00002 and 0.00003.
gnomAD v4.1: 30 of 1,610,430 alleles (0.0019%); highest among the groups gnomAD compares: Admixed American, 0.0017%; no homozygotes.

Submission:

Labcorp Genetics (formerly Invitae), Labcorp
Classification: Uncertain significance. Last evaluated: 2023-11-27. Review status: criteria provided, single submitter. Criteria: Invitae Variant Classification Sherloc (09022015). Collection method: clinical testing. Allele origin: germline.
Comment: This sequence change replaces serine, which is neutral and polar, with asparagine, which is neutral and polar, at codon 1616 of the PCLO protein (p.Ser1616Asn). This variant is present in population databases (rs779430893, gnomAD 0.05%). This variant has not been reported in the literature in individuals affected with PCLO-related conditions. ClinVar contains an entry for this variant (Variation ID: 1524363). Experimental studies and prediction algorithms are not available or were not evaluated, and the functional significance of this variant is currently unknown. In summary, the available evidence is currently insufficient to determine the role of this variant in disease. Therefore, it has been classified as a Variant of Uncertain Significance.

NM_033026.6(PCLO):c.4847G>A (p.Ser1616Asn)

Gene: PCLO (piccolo presynaptic cytomatrix protein; minus strand). Cytogenetic location: 7q21.11.
Variant type: single nucleotide variant.
Coding change: c.4847G>A on transcript NM_033026.6 (MANE Select); coding-DNA position 4847, G replaced by A.
Protein change: p.Ser1616Asn; replaces serine 1616 with asparagine.
Molecular consequence: missense variant.
Genome position (GRCh38, 1-based): chr7:82,956,106, C>T on the plus strand (G>A on the coding strand, the complement: PCLO is on the minus strand). VCF-style: chr7-82956106-C-T. GRCh37 (hg19) VCF-style: chr7-82585422-C-T.
Other names: c.4847G>A, p.Ser1616Asn (NM_014510.3); short protein forms S1616N.
Identifiers: ClinVar variation 1524363 (VCV001524363.6), dbSNP rs779430893, ClinGen allele CA4320753.